The following is an entry in ClinVar:

ClinVar aggregate classification (germline): Uncertain significance (1 of 4 stars; one submission).

Conditions:
Epidermolysis bullosa simplex 3, localized or generalized intermediate, with BP230 deficiency (EBS3). Also called: Epidermolysis bullosa simplex due to BP230 deficiency; Epidermolysis bullosa simplex, autosomal recessive 2. Identifiers: Orphanet 412181, MedGen C3809470, MONDO:0014180, OMIM 615425.
Hereditary sensory and autonomic neuropathy type 6. Also called: HSAN VI; Neuropathy, hereditary sensory and autonomic, type VI. Identifiers: Orphanet 314381, MedGen C3539003, MONDO:0013839, OMIM 614653.

Allele frequency attached by ClinVar (database versions not stated): gnomAD 0.00001.
gnomAD v4.1: 1 of 1,612,930 alleles (0.000062%); no homozygotes.

Submission:

Labcorp Genetics (formerly Invitae), Labcorp
Classification: Uncertain significance for Epidermolysis bullosa simplex 3, localized or generalized intermediate, with BP230 deficiency; Hereditary sensory and autonomic neuropathy type 6. Last evaluated: 2018-05-21. Review status: criteria provided, single submitter. Criteria: Invitae Variant Classification Sherloc (09022015). Collection method: clinical testing. Allele origin: germline.
Comment: This variant has not been reported in the literature in individuals with DST-related disease. This variant is not present in population databases (ExAC no frequency). This sequence change replaces proline with leucine at codon 2014 of the DST protein (p.Pro2014Leu). The proline residue is weakly conserved and there is a moderate physicochemical difference between proline and leucine. Algorithms developed to predict the effect of missense changes on protein structure and function (SIFT, PolyPhen-2, Align-GVGD) all suggest that this variant is likely to be tolerated, but these predictions have not been confirmed by published functional studies and their clinical significance is uncertain. In summary, the available evidence is currently insufficient to determine the role of this variant in disease. Therefore, it has been classified as a Variant of Uncertain Significance.

NM_001723.7(DST):c.6041C>T (p.Pro2014Leu)

Gene: DST (dystonin; minus strand). Cytogenetic location: 6p12.1.
Variant type: single nucleotide variant.
Coding change: c.6041C>T on transcript NM_001723.7 (MANE Plus Clinical); coding-DNA position 6041, C replaced by T.
Protein change: p.Pro2014Leu; replaces proline 2014 with leucine.
Molecular consequence: missense variant. On other transcripts: intron variant (10).
Genome position (GRCh38, 1-based): chr6:56,617,993, G>A on the plus strand (C>T on the coding strand, the complement: DST is on the minus strand). VCF-style: chr6-56617993-G-A. GRCh37 (hg19) VCF-style: chr6-56482791-G-A.
Other names: c.4831-3509C>T (NM_001144769.5); c.4930-3509C>T (NM_001374722.1, NM_001374736.1); c.4957-3509C>T (NM_001374734.1); c.4417-3509C>T (NM_001144770.2); c.4297-3509C>T (NM_001374730.1, NM_001386100.1, NM_183380.4 and 1 more transcripts); c.3319-3509C>T (NM_015548.5); short protein forms P2014L.
Identifiers: ClinVar variation 567077 (VCV000567077.9), dbSNP rs1563222681, ClinGen allele CA364566022.
Genomic context (GRCh38, chr6:56,617,993, plus strand): 5'-ATGAGGAAACTTGACATTAGGTAGCTGATAAGGTCTCAGAACACAGAGTATACCTCTAAG[G>A]GTGTCAAAACCTTCACCAGTTCCATTTCACATGCGTTATCTTGATACCTAACAGGTGGTC-3'
Protein context (NP_001714.1, residues 2004-2024): CEMELVKVLT[Pro2014Leu]LEIAKNKQYD